The following is an entry in ClinVar:

NM_000540.3(RYR1):c.13741T>A (p.Tyr4581Asn)

Gene: RYR1 (ryanodine receptor 1; plus strand). Cytogenetic location: 19q13.2.
Variant type: single nucleotide variant.
Coding change: c.13741T>A on transcript NM_000540.3 (MANE Select); coding-DNA position 13741, T replaced by A.
Protein change: p.Tyr4581Asn; replaces tyrosine 4581 with asparagine.
Molecular consequence: missense variant.
Genome position (GRCh38, 1-based): chr19:38,570,688, T>A. VCF-style: chr19-38570688-T-A. GRCh37 (hg19) VCF-style: chr19-39061328-T-A.
Other names: c.13726T>A, p.Tyr4576Asn (NM_001042723.2); short protein forms Y4576N, Y4581N.
Identifiers: ClinVar variation 1514283 (VCV001514283.8), dbSNP rs2145865421, ClinGen allele CA405679010.

ClinVar aggregate classification (germline): Uncertain significance (1 of 4 stars; one submission).

Conditions:
RYR1-related disorder. Also called: RYR1-related condition; RYR1-related disorders. Identifiers: MedGen CN239331.

Submission:

Labcorp Genetics (formerly Invitae), Labcorp
Classification: Uncertain significance for RYR1-related disorder. Last evaluated: 2022-06-20. Review status: criteria provided, single submitter. Criteria: Invitae Variant Classification Sherloc (09022015). Collection method: clinical testing. Allele origin: germline.
Comment: In summary, the available evidence is currently insufficient to determine the role of this variant in disease. Therefore, it has been classified as a Variant of Uncertain Significance. Advanced modeling of protein sequence and biophysical properties (such as structural, functional, and spatial information, amino acid conservation, physicochemical variation, residue mobility, and thermodynamic stability) performed at Invitae indicates that this missense variant is expected to disrupt RYR1 protein function. This missense change has been observed in individual(s) with clinical features of autosomal dominant RYR1-related congenital myopathy (Invitae). This variant is not present in population databases (gnomAD no frequency). This sequence change replaces tyrosine, which is neutral and polar, with asparagine, which is neutral and polar, at codon 4581 of the RYR1 protein (p.Tyr4581Asn).